The following is an entry in ClinVar:

NM_015102.5(NPHP4):c.135+5C>G

Gene: NPHP4 (nephrocystin 4; minus strand). Cytogenetic location: 1p36.31.
Variant type: single nucleotide variant.
Coding change: c.135+5C>G on transcript NM_015102.5 (MANE Select); 5 bases into the intron after coding-DNA position 135, C replaced by G.
Molecular consequence: intron variant.
Genome position (GRCh38, 1-based): chr1:5,986,150, G>C on the plus strand (C>G on the coding strand, the complement: NPHP4 is on the minus strand). VCF-style: chr1-5986150-G-C. GRCh37 (hg19) VCF-style: chr1-6046210-G-C.
Other names: c.-1088+6094C>G (NM_001291594.2); c.-1095+5C>G (NM_001291593.2).
Identifiers: ClinVar variation 1480422 (VCV001480422.6), dbSNP rs201054350, ClinGen allele CA17134382.
Genomic context (GRCh38, chr1:5,986,150, plus strand): 5'-TTAACTGGAAGCCTCATGTCAGCTAAGAGCAATAACACGCATTTGCTAACAGCACATTTT[G>C]TTACCTGCCTAATTACCGGTCCGTCCAGCCACTTGAGGACACACTGGAATGCCGTGGATT-3'

ClinVar aggregate classification (germline): Uncertain significance (1 of 4 stars; one submission).

Conditions:
Nephronophthisis. Also called: Juvenile Nephronophthisis. Identifiers: Orphanet 655, MedGen C0687120, MONDO:0019005, HP:0000090.

Allele frequency attached by ClinVar (database versions not stated): gnomAD exomes below 0.00001; gnomAD 0.00001; TOPMed 0.00001.

Submission:

Labcorp Genetics (formerly Invitae), Labcorp
Classification: Uncertain significance for Nephronophthisis. Last evaluated: 2021-09-15. Review status: criteria provided, single submitter. Criteria: Invitae Variant Classification Sherloc (09022015). Collection method: clinical testing. Allele origin: germline.
Comment: In summary, the available evidence is currently insufficient to determine the role of this variant in disease. Therefore, it has been classified as a Variant of Uncertain Significance. Variants that disrupt the consensus splice site are a relatively common cause of aberrant splicing (PMID: 17576681, 9536098). Algorithms developed to predict the effect of sequence changes on RNA splicing suggest that this variant may create or strengthen a splice site. This variant has not been reported in the literature in individuals affected with NPHP4-related conditions. This variant is not present in population databases (ExAC no frequency). This sequence change falls in intron 2 of the NPHP4 gene. It does not directly change the encoded amino acid sequence of the NPHP4 protein. It affects a nucleotide within the consensus splice site of the intron.

Literature cited by the submitters: PubMed 17576681; PubMed 9536098.